The following is an entry in ClinVar:

ClinVar aggregate classification (germline): Uncertain significance (1 of 4 stars; one submission).

Conditions:
ALMS1-related disorder. Also called: ALMS1-related condition.

Submission:

PreventionGenetics, part of Exact Sciences
Classification: Uncertain significance for ALMS1-related condition. Last evaluated: 2026-08-04. Review status: criteria provided, single submitter. Criteria: ACMG Guidelines, 2015. Collection method: clinical testing. Allele origin: germline.
Comment: The ALMS1 c.8717C>G variant is predicted to result in the amino acid substitution p.Ser2906Cys. To our knowledge, this variant has not been reported in the literature. This variant is reported in 0.016% of alleles in individuals of South Asian descent in gnomAD. At this time, the clinical significance of this variant is uncertain due to the absence of conclusive functional and genetic evidence.

NM_001378454.1(ALMS1):c.8714C>G (p.Ser2905Cys)

Gene: ALMS1 (ALMS1 centrosome and basal body associated protein; plus strand). Cytogenetic location: 2p13.1.
Variant type: single nucleotide variant.
Coding change: c.8714C>G on transcript NM_001378454.1 (MANE Select); coding-DNA position 8714, C replaced by G.
Protein change: p.Ser2905Cys; replaces serine 2905 with cysteine.
Molecular consequence: missense variant.
Genome position (GRCh38, 1-based): chr2:73,490,673, C>G. VCF-style: chr2-73490673-C-G. GRCh37 (hg19) VCF-style: chr2-73717800-C-G.
Other names: c.8717C>G, p.Ser2906Cys (NM_015120.4); short protein forms S2905C, S2906C.
Identifiers: ClinVar variation 4997904 (VCV004997904.1).